The following is an entry in ClinVar:

NM_003070.5(SMARCA2):c.4585G>C (p.Glu1529Gln)

Gene: SMARCA2 (SWI/SNF related BAF chromatin remodeling complex subunit ATPase 2; plus strand). Cytogenetic location: 9p24.3.
Variant type: single nucleotide variant.
Coding change: c.4585G>C on transcript NM_003070.5 (MANE Select); coding-DNA position 4585, G replaced by C.
Protein change: p.Glu1529Gln; replaces glutamic acid 1529 with glutamine.
Molecular consequence: missense variant.
Genome position (GRCh38, 1-based): chr9:2,186,219, G>C. VCF-style: chr9-2186219-G-C. GRCh37 (hg19) VCF-style: chr9-2186219-G-C.
Other names: c.4585G>C, p.Glu1529Gln (NM_001289396.2); c.4357G>C, p.Glu1453Gln (NM_001289397.2); c.559G>C, p.Glu187Gln (NM_001289398.2); c.643G>C, p.Glu215Gln (NM_001289399.2); c.649G>C, p.Glu217Gln (NM_001289400.2); c.4531G>C, p.Glu1511Gln (NM_139045.4); short protein forms E1529Q, E215Q, E1511Q, E217Q, E1453Q, E187Q.
Identifiers: ClinVar variation 2976645 (VCV002976645.3), dbSNP rs1827442321, ClinGen allele CA372791488.

ClinVar aggregate classification (germline): Uncertain significance (1 of 4 stars; one submission).

Submission:

Labcorp Genetics (formerly Invitae), Labcorp
Classification: Uncertain significance. Last evaluated: 2024-04-15. Review status: criteria provided, single submitter. Criteria: Invitae Variant Classification Sherloc (09022015). Collection method: clinical testing. Allele origin: germline.
Comment: This sequence change replaces glutamic acid, which is acidic and polar, with glutamine, which is neutral and polar, at codon 1529 of the SMARCA2 protein (p.Glu1529Gln). This variant is not present in population databases (gnomAD no frequency). This variant has not been reported in the literature in individuals affected with SMARCA2-related conditions. Advanced modeling of protein sequence and biophysical properties (such as structural, functional, and spatial information, amino acid conservation, physicochemical variation, residue mobility, and thermodynamic stability) performed at Invitae indicates that this missense variant is not expected to disrupt SMARCA2 protein function with a negative predictive value of 80%. In summary, the available evidence is currently insufficient to determine the role of this variant in disease. Therefore, it has been classified as a Variant of Uncertain Significance.